The following is an entry in ClinVar:

NM_182961.4(SYNE1):c.25115G>T (p.Gly8372Val)

Gene: SYNE1 (spectrin repeat containing nuclear envelope protein 1; minus strand). Cytogenetic location: 6q25.2.
Variant type: single nucleotide variant.
Coding change: c.25115G>T on transcript NM_182961.4 (MANE Select); coding-DNA position 25115, G replaced by T.
Protein change: p.Gly8372Val; replaces glycine 8372 with valine.
Molecular consequence: missense variant.
Genome position (GRCh38, 1-based): chr6:152,143,627, C>A on the plus strand (G>T on the coding strand, the complement: SYNE1 is on the minus strand). VCF-style: chr6-152143627-C-A. GRCh37 (hg19) VCF-style: chr6-152464762-C-A.
Other names: c.1721G>T, p.Gly574Val (NM_001347701.2); c.1649G>T, p.Gly550Val (NM_001347702.2); c.24971G>T, p.Gly8324Val (NM_033071.5); short protein forms G574V, G8324V, G8372V, G550V.
Identifiers: ClinVar variation 2158265 (VCV002158265.4), dbSNP rs1160559450, ClinGen allele CA366082897.

ClinVar aggregate classification (germline): Uncertain significance (1 of 4 stars; one submission).

Conditions:
Autosomal recessive ataxia, Beauce type. Also called: SYNE1-Related Autosomal Recessive Cerebellar Ataxia; Spinocerebellar ataxia, autosomal recessive 8; ATAXIA, RECESSIVE, OF BEAUCE; SYNE1 Deficiency. Identifiers: Orphanet 88644, MedGen C1853116, MONDO:0012549, OMIM 610743.
Emery-Dreifuss muscular dystrophy 4, autosomal dominant (EDMD4). Also called: EMERY-DREIFUSS MUSCULAR DYSTROPHY 4 WITH VARIABLE FEATURES. Identifiers: Orphanet 261, MedGen C2751807, MONDO:0013071, OMIM 612998.

Allele frequency attached by ClinVar (database versions not stated): gnomAD exomes below 0.00001; gnomAD 0.00001.
gnomAD v4.1: 2 of 1,614,036 alleles (0.00012%); highest among the groups gnomAD compares: Admixed American, 0.0017%; no homozygotes.

Submission:

Labcorp Genetics (formerly Invitae), Labcorp
Classification: Uncertain significance for Emery-Dreifuss muscular dystrophy 4, autosomal dominant; Autosomal recessive ataxia, Beauce type. Last evaluated: 2025-09-14. Review status: criteria provided, single submitter. Criteria: Invitae Variant Classification Sherloc (09022015). Collection method: clinical testing. Allele origin: germline.
Comment: This sequence change replaces glycine, which is neutral and non-polar, with valine, which is neutral and non-polar, at codon 8324 of the SYNE1 protein (p.Gly8324Val). This variant is present in population databases (no rsID available, gnomAD 0.003%). This variant has not been reported in the literature in individuals affected with SYNE1-related conditions. ClinVar contains an entry for this variant (Variation ID: 2158265). An algorithm developed to predict the effect of missense changes on protein structure and function (PolyPhen-2) suggests that this variant is likely to be disruptive. In summary, the available evidence is currently insufficient to determine the role of this variant in disease. Therefore, it has been classified as a Variant of Uncertain Significance.